The following is an entry in ClinVar:

ClinVar aggregate classification (germline): Uncertain significance (1 of 4 stars; one submission).

Submission:

GeneDx
Classification: Uncertain significance. Last evaluated: 2025-01-24. Review status: criteria provided, single submitter. Criteria: GeneDx Variant Classification Process June 2021. Collection method: clinical testing. Allele origin: germline. Affected: yes.
Comment: Not observed at significant frequency in large population cohorts (gnomAD); In silico analysis supports that this missense variant has a deleterious effect on protein structure/function; Has not been previously published as pathogenic or benign to our knowledge

NM_057175.5(NAA15):c.1564C>A (p.Gln522Lys)

Gene: NAA15 (N-alpha-acetyltransferase 15, NatA auxiliary subunit; plus strand). Cytogenetic location: 4q31.1.
Variant type: single nucleotide variant.
Coding change: c.1564C>A on transcript NM_057175.5 (MANE Select); coding-DNA position 1564, C replaced by A.
Protein change: p.Gln522Lys; replaces glutamine 522 with lysine.
Molecular consequence: missense variant.
Genome position (GRCh38, 1-based): chr4:139,361,748, C>A. VCF-style: chr4-139361748-C-A. GRCh37 (hg19) VCF-style: chr4-140282902-C-A.
Other names: c.1564C>A, p.Gln522Lys (NM_001410842.1); short protein forms Q522K.
Identifiers: ClinVar variation 4071855 (VCV004071855.1).